The following is an entry in ClinVar:

NM_152419.3(HGSNAT):c.1012T>G (p.Leu338Val)

Gene: HGSNAT (heparan-alpha-glucosaminide N-acetyltransferase; plus strand). Cytogenetic location: 8p11.21.
Variant type: single nucleotide variant.
Coding change: c.1012T>G on transcript NM_152419.3 (MANE Select); coding-DNA position 1012, T replaced by G.
Protein change: p.Leu338Val; replaces leucine 338 with valine.
Molecular consequence: missense variant. On other transcripts: intron variant (1).
Genome position (GRCh38, 1-based): chr8:43,178,234, T>G. VCF-style: chr8-43178234-T-G. GRCh37 (hg19) VCF-style: chr8-43033377-T-G.
Other names: c.1012T>G, p.Leu338Val (NM_001363227.2); c.148T>G, p.Leu50Val (NM_001363229.2); c.821-3911T>G (NM_001363228.2); short protein forms L338V, L50V.
Identifiers: ClinVar variation 1997028 (VCV001997028.4), dbSNP rs2487003685, ClinGen allele CA371117533.

ClinVar aggregate classification (germline): Uncertain significance (1 of 4 stars; one submission).

Conditions:
Retinitis pigmentosa 73 (RP73). Identifiers: Orphanet 791, MedGen C4225287, MONDO:0014687, OMIM 616544.
Mucopolysaccharidosis, MPS-III-C (MPS3C). Also called: SANFILIPPO SYNDROME C; MPS III C; Mucopolysaccharidosis type IIIC (Sanfilippo C); MUCOPOLYSACCHARIDOSIS, TYPE IIIC; mucopolysaccharidosis type 3C; MPS IIIC (Sanfilippo Syndrome Type C). Identifiers: Orphanet 581, Orphanet 79271, MedGen C0086649, MONDO:0009657, OMIM 252930.

Submission:

Labcorp Genetics (formerly Invitae), Labcorp
Classification: Uncertain significance for Retinitis pigmentosa 73; Mucopolysaccharidosis, MPS-III-C. Last evaluated: 2022-05-31. Review status: criteria provided, single submitter. Criteria: Invitae Variant Classification Sherloc (09022015). Collection method: clinical testing. Allele origin: germline.
Comment: This sequence change replaces leucine, which is neutral and non-polar, with valine, which is neutral and non-polar, at codon 338 of the HGSNAT protein (p.Leu338Val). This variant is not present in population databases (gnomAD no frequency). This variant has not been reported in the literature in individuals affected with HGSNAT-related conditions. Algorithms developed to predict the effect of missense changes on protein structure and function (SIFT, PolyPhen-2, Align-GVGD) all suggest that this variant is likely to be tolerated. In summary, the available evidence is currently insufficient to determine the role of this variant in disease. Therefore, it has been classified as a Variant of Uncertain Significance.